The following is an entry in ClinVar:

NM_144670.6(A2ML1):c.409+5G>A

Genes: A2ML1 (alpha-2-macroglobulin like 1; plus strand), A2ML1-AS1 (A2ML1 antisense RNA 1; minus strand). Cytogenetic location: 12p13.31.
Variant type: single nucleotide variant.
Coding change: c.409+5G>A on transcript NM_144670.6 (MANE Select); 5 bases into the intron after coding-DNA position 409, G replaced by A.
Molecular consequence: intron variant.
Genome position (GRCh38, 1-based): chr12:8,823,887, G>A. VCF-style: chr12-8823887-G-A. GRCh37 (hg19) VCF-style: chr12-8976483-G-A.
Identifiers: ClinVar variation 967067 (VCV000967067.3), dbSNP rs1429109147, ClinGen allele CA693106313.

ClinVar aggregate classification (germline): Uncertain significance (1 of 4 stars; one submission).

Allele frequency attached by ClinVar (database versions not stated): TOPMed below 0.00001; gnomAD 0.00001.
gnomAD v4.1: 1 of 1,608,200 alleles (0.000062%); highest among the groups gnomAD compares: Admixed American, 0.0017%; no homozygotes.

Submission:

Labcorp Genetics (formerly Invitae), Labcorp
Classification: Uncertain significance. Last evaluated: 2019-01-26. Review status: criteria provided, single submitter. Criteria: Invitae Variant Classification Sherloc (09022015). Collection method: clinical testing. Allele origin: germline.
Comment: This sequence change falls in intron 3 of the A2ML1 gene. It does not directly change the encoded amino acid sequence of the A2ML1 protein, but it affects a nucleotide within the consensus splice site of the intron. This variant is not present in population databases (ExAC no frequency). This variant has not been reported in the literature in individuals with A2ML1-related conditions. Nucleotide substitutions within the consensus splice site are a relatively common cause of aberrant splicing (PMID: 17576681, 9536098). Algorithms developed to predict the effect of sequence changes on RNA splicing suggest that this variant may disrupt the consensus splice site, but this prediction has not been confirmed by published transcriptional studies. In summary, the available evidence is currently insufficient to determine the role of this variant in disease. Therefore, it has been classified as a Variant of Uncertain Significance.

Literature cited by the submitters: PubMed 17576681; PubMed 9536098.